The following is an entry in ClinVar:

NM_058216.3(RAD51C):c.421G>A (p.Asp141Asn)

Gene: RAD51C (RAD51 paralog C; plus strand). Cytogenetic location: 17q22.
Variant type: single nucleotide variant.
Coding change: c.421G>A on transcript NM_058216.3 (MANE Select); coding-DNA position 421, G replaced by A.
Protein change: p.Asp141Asn; replaces aspartic acid 141 with asparagine.
Molecular consequence: missense variant.
Genome position (GRCh38, 1-based): chr17:58,696,709, G>A. VCF-style: chr17-58696709-G-A. GRCh37 (hg19) VCF-style: chr17-56774070-G-A.
Other names: c.421G>A (LRG_314t1); short protein forms D141N.
Identifiers: ClinVar variation 136159 (VCV000136159.5), dbSNP rs587780837, ClinGen allele CA333003.

ClinVar aggregate classification (germline): Uncertain significance (1 of 4 stars; one submission).

Conditions:
Fanconi anemia complementation group O. Also called: RAD51C-Related Fanconi Anemia. Identifiers: Orphanet 84, MedGen C3150653, MONDO:0013248, OMIM 613390.

Allele frequency attached by ClinVar (database versions not stated): gnomAD exomes below 0.00001.
gnomAD v4.1: 1 of 1,614,198 alleles (0.000062%); highest among the groups gnomAD compares: Non-Finnish European, 0.000085%; no homozygotes.

Submission:

Labcorp Genetics (formerly Invitae), Labcorp
Classification: Uncertain significance for Fanconi anemia complementation group O. Last evaluated: 2022-08-17. Review status: criteria provided, single submitter. Criteria: Invitae Variant Classification Sherloc (09022015). Collection method: clinical testing. Allele origin: germline.
Comment: This variant is not present in population databases (gnomAD no frequency). This variant has not been reported in the literature in individuals affected with RAD51C-related conditions. ClinVar contains an entry for this variant (Variation ID: 136159). Algorithms developed to predict the effect of missense changes on protein structure and function (SIFT, PolyPhen-2, Align-GVGD) all suggest that this variant is likely to be tolerated. In summary, the available evidence is currently insufficient to determine the role of this variant in disease. Therefore, it has been classified as a Variant of Uncertain Significance. This sequence change replaces aspartic acid, which is acidic and polar, with asparagine, which is neutral and polar, at codon 141 of the RAD51C protein (p.Asp141Asn).